The following is an entry in ClinVar:

ClinVar aggregate classification (germline): Uncertain significance (1 of 4 stars; one submission).

Conditions:
Generalized epilepsy with febrile seizures plus, type 7 (GEFSP7). Also called: GEFS+, TYPE 7. Identifiers: Orphanet 36387, MedGen C2751778, MONDO:0013470, OMIM 613863.
Neuropathy, hereditary sensory and autonomic, type 2A (HSAN2A). Also called: HSAN IIA; WNK1-Related HSAN2 (HSAN2A); MORVAN DISEASE; NEUROPATHY, CONGENITAL SENSORY; NEUROPATHY, HEREDITARY SENSORY RADICULAR, AUTOSOMAL RECESSIVE; NEUROPATHY, HEREDITARY SENSORY, TYPE IIA. Identifiers: Orphanet 970, MedGen C2752089, MONDO:0024309, OMIM 201300.

Allele frequency attached by ClinVar (database versions not stated): gnomAD 0.00001.
gnomAD v4.1: 2 of 1,591,042 alleles (0.00013%); highest among the groups gnomAD compares: Admixed American, 0.0034%; no homozygotes.

Submission:

Labcorp Genetics (formerly Invitae), Labcorp
Classification: Uncertain significance for Neuropathy, hereditary sensory and autonomic, type 2A; Generalized epilepsy with febrile seizures plus, type 7. Last evaluated: 2025-07-24. Review status: criteria provided, single submitter. Criteria: Invitae Variant Classification Sherloc (09022015). Collection method: clinical testing. Allele origin: germline.
Comment: This sequence change replaces valine, which is neutral and non-polar, with isoleucine, which is neutral and non-polar, at codon 1574 of the SCN9A protein (p.Val1574Ile). This variant is not present in population databases (gnomAD no frequency). This variant has not been reported in the literature in individuals affected with SCN9A-related conditions. ClinVar contains an entry for this variant (Variation ID: 1481344). Invitae Evidence Modeling of protein sequence and biophysical properties (such as structural, functional, and spatial information, amino acid conservation, physicochemical variation, residue mobility, and thermodynamic stability) indicates that this missense variant is not expected to disrupt SCN9A protein function with a negative predictive value of 95%. In summary, the available evidence is currently insufficient to determine the role of this variant in disease. Therefore, it has been classified as a Variant of Uncertain Significance.

NM_001365536.1(SCN9A):c.4753G>A (p.Val1585Ile)

Genes: SCN9A (sodium voltage-gated channel alpha subunit 9; minus strand), SCN1A-AS1 (SCN1A and SCN9A antisense RNA 1; plus strand). Cytogenetic location: 2q24.3.
Variant type: single nucleotide variant.
Coding change: c.4753G>A on transcript NM_001365536.1 (MANE Select); coding-DNA position 4753, G replaced by A.
Protein change: p.Val1585Ile; replaces valine 1585 with isoleucine.
Molecular consequence: missense variant.
Genome position (GRCh38, 1-based): chr2:166,203,976, C>T on the plus strand (G>A on the coding strand, the complement: SCN9A is on the minus strand). VCF-style: chr2-166203976-C-T. GRCh37 (hg19) VCF-style: chr2-167060486-C-T.
Other names: c.4720G>A, p.Val1574Ile (NM_002977.4); short protein forms V1574I, V1585I.
Identifiers: ClinVar variation 1481344 (VCV001481344.6), dbSNP rs1693668654, ClinGen allele CA349057288.